The following is an entry in ClinVar:

ClinVar aggregate classification (germline): Pathogenic/Likely pathogenic. Review status: criteria provided, multiple submitters, no conflicts (2 of 4 stars). 9 submissions from 9 submitters: Pathogenic (7); Likely pathogenic (1). 1 of the submissions does not count toward it. Last evaluated 2025-03-03.

Conditions:
FOXP3-related disorder. Also called: FOXP3-related condition.
Insulin-dependent diabetes mellitus secretory diarrhea syndrome (IPEX). Also called: Immune dysregulation-polyendocrinopathy-enteropathy-X-linked syndrome; IPEX and IPEX-Like; Immunodysregulation, polyendocrinopathy, and enteropathy, X-linked; X-Linked Autoimmunity-Allergic Dysregulation Syndrome; IMMUNODEFICIENCY, POLYENDOCRINOPATHY, AND ENTEROPATHY, X-LINKED; Immunodeficiency, Polyendocrinopathy, and Enteropathy X-Linked Syndrome. Identifiers: Orphanet 37042, MedGen C0342288, MONDO:0010580, OMIM 304790. Disease mechanism: loss of function.

Allele frequency attached by ClinVar (database versions not stated): gnomAD exomes below 0.00001.
gnomAD v4.1: 2 of 1,212,108 alleles (0.00017%); highest among the groups gnomAD compares: Non-Finnish European, 0.00022%; no homozygotes.

Submissions (9):

Labcorp Genetics (formerly Invitae), Labcorp
Classification: Pathogenic for Insulin-dependent diabetes mellitus secretory diarrhea syndrome. Last evaluated: 2025-03-03. Review status: criteria provided, single submitter. Criteria: Invitae Variant Classification Sherloc (09022015). Collection method: clinical testing. Allele origin: germline.
Comment: This sequence change replaces arginine, which is basic and polar, with glutamine, which is neutral and polar, at codon 397 of the FOXP3 protein (p.Arg397Gln). This variant is not present in population databases (gnomAD no frequency). This missense change has been observed in individual(s) with immunodysregulation, polyendocrinopathy, and enteropathy syndrome (PMID: 20650610, 23534934, 29312905). In at least one individual the variant was observed to be de novo. ClinVar contains an entry for this variant (Variation ID: 379222). Invitae Evidence Modeling of protein sequence and biophysical properties (such as structural, functional, and spatial information, amino acid conservation, physicochemical variation, residue mobility, and thermodynamic stability) indicates that this missense variant is expected to disrupt FOXP3 protein function with a positive predictive value of 80%. Algorithms developed to predict the effect of sequence changes on RNA splicing suggest that this variant may create or strengthen a splice site. This variant disrupts the p.Arg397 amino acid residue in FOXP3. Other variant(s) that disrupt this residue have been determined to be pathogenic (PMID: 11137992, 11295725, 25546394). This suggests that this residue is clinically significant, and that variants that disrupt this residue are likely to be disease-causing. For these reasons, this variant has been classified as Pathogenic.

Obstetrics Unit, Tongji Hospital, Huazhong University of Science and Technology
Classification: Likely pathogenic for Insulin-dependent diabetes mellitus secretory diarrhea syndrome. Last evaluated: 2024-12-25. Review status: criteria provided, single submitter. Criteria: ACMG Guidelines, 2015. Collection method: clinical testing. Allele origin: maternal. Affected: yes.
Comment: FOXP3:NM_014009.4:exon12:c.1190G>A:p.R397Q mutation: possibly pathogenic (PM2+PS4_Moderate+PP3+PM6_Supporting) Moderate evidence of pathogenicity PM2: This variant is not found in the reference population 1000 Genomes (1000G), the Human Exome Database (ExAC) and the Population Genome Mutation Frequency Database (gnomAD); Moderate evidence of pathogenicity PS4_Moderate: The literature reported that the mutation was detected in a total of several (6-14) patients [PMID:20650610;23534934;27484032;29312905;30443250;30755392;32441320;32888943]; Supports evidence of pathogenicity PP3: Predicted by multiple statistical methods (REVEL), results show that the variant causes deleterious effects on the gene or gene product; Predicted by spliceAI with results showing that the variant may affect splicing; Evidence in favor of pathogenicity PM6_Supporting: a total of 1 patient with an atypical phenotype was reported in the literature where this variant was detected as de novo [PMID:23534934]; This known variant is rated as P in the ClinVar database; this known variant is rated in the HGMD database as DM [PMID:20650610;23534934;27484032;29312905;30443250]; Mutations in the gene FOXP3 (OMIM:300292) cause Immunodysregulation, polyendocrinopathy, and enteropathy, X-linked (immune dysregulation, polyendocrinopathy, and enteropathy), as determined by a public database query (OMIM:304790).

Blueprint Genetics
Classification: Pathogenic for FOXP3-related disorders. Last evaluated: 2024-08-06. Review status: criteria provided, single submitter. Criteria: ACMG Guidelines, 2015. Collection method: clinical testing. Allele origin: germline. Affected: yes. Observed: 1 variant allele.

Mayo Clinic Laboratories, Mayo Clinic
Classification: Pathogenic. Last evaluated: 2024-05-31. Review status: criteria provided, single submitter. Criteria: ACMG Guidelines, 2015. Collection method: clinical testing. Allele origin: germline. Observed: 1 variant allele.
Comment: PP3, PM2, PM5, PM6, PS4

Genomic Medicine Center of Excellence, King Faisal Specialist Hospital and Research Centre
Classification: Pathogenic for Insulin-dependent diabetes mellitus secretory diarrhea syndrome. Last evaluated: 2023-05-08. Review status: criteria provided, single submitter. Criteria: ACMG Guidelines, 2015. Collection method: research. Allele origin: germline. Affected: yes.

GeneDx
Classification: Pathogenic. Last evaluated: 2022-09-16. Review status: criteria provided, single submitter. Criteria: GeneDx Variant Classification Process June 2021. Collection method: clinical testing. Allele origin: germline. Affected: yes.
Comment: Not observed at significant frequency in large population cohorts (gnomAD); In silico analysis supports that this missense variant has a deleterious on protein structure/function as well as an effect on splicing; Located in the forkhead DNA binding domain (Consonni et al., 2021); This variant is associated with the following publications: (PMID: 30443250, 29312905, 23534934, 32963853, 32441320, 27484032, 30755392, 20650610, 32888943, 33614561)

CeGaT Center for Human Genetics Tuebingen
Classification: Pathogenic. Last evaluated: 2020-05-01. Review status: criteria provided, single submitter. Criteria: CeGaT Center For Human Genetics Tuebingen Variant Classification Criteria Version 2. Collection method: clinical testing. Allele origin: germline. Affected: yes. Observed: 1 variant allele.

Center for Personalized Medicine, Children's Hospital Los Angeles
Classification: Pathogenic. Last evaluated: 2018-11-19. Review status: criteria provided, single submitter. Criteria: ACMG Guidelines, 2015. Collection method: clinical testing. Allele origin: germline. Affected: yes.

PreventionGenetics, part of Exact Sciences
Classification: Pathogenic for FOXP3-related condition. Last evaluated: 2023-12-21. Review status: no assertion criteria provided. Collection method: clinical testing. Allele origin: germline. Not counted in ClinVar's aggregate classification.
Comment: The FOXP3 c.1190G>A variant is predicted to result in the amino acid substitution p.Arg397Gln. This variant has been reported in individuals with IPEX syndrome, including at least one individual in whom it was reported to occur de novo (Tsuda et al. 2010. PubMed ID: 20650610; Martín-Santiago et al. 2013. PubMed ID: 23534934; Gambineri et al. 2018. PubMed ID: 30443250; El Hawary et al. 2022. PubMed ID: 35482138). Alternative nucleotide substitutions affecting the same amino acid (p.Arg397Trp, p.Arg397Leu) have also been described in individuals with IPEX syndrome (Xavier-da-Silva et al. 2015. PubMed ID: 25546394; Supplementary Table 1, Suspitsin et al. 2020. PubMed ID: 32441320). This variant has not been reported in a large population database, indicating it is rare. This variant is interpreted as pathogenic.

Literature cited by the submitters: PubMed 20650610 (cited by Labcorp Genetics (formerly Invitae), Labcorp and Mayo Clinic Laboratories, Mayo Clinic); PubMed 23534934 (cited by Labcorp Genetics (formerly Invitae), Labcorp and Mayo Clinic Laboratories, Mayo Clinic); PubMed 29312905 (cited by Labcorp Genetics (formerly Invitae), Labcorp and Mayo Clinic Laboratories, Mayo Clinic); PubMed 11137992 (cited by Labcorp Genetics (formerly Invitae), Labcorp); PubMed 11295725 (cited by Labcorp Genetics (formerly Invitae), Labcorp); PubMed 25546394 (cited by Labcorp Genetics (formerly Invitae), Labcorp); PubMed 20301297 (cited by Obstetrics Unit, Tongji Hospital, Huazhong University of Science and Technology); PubMed 27484032 (cited by Mayo Clinic Laboratories, Mayo Clinic); PubMed 30443250 (cited by Mayo Clinic Laboratories, Mayo Clinic); PubMed 30755392 (cited by Mayo Clinic Laboratories, Mayo Clinic); PubMed 32963853 (cited by Mayo Clinic Laboratories, Mayo Clinic); PubMed 36152823 (cited by Mayo Clinic Laboratories, Mayo Clinic); PubMed 37485029 (cited by Mayo Clinic Laboratories, Mayo Clinic).

NM_014009.4(FOXP3):c.1190G>A (p.Arg397Gln)

Gene: FOXP3 (forkhead box P3; minus strand). Cytogenetic location: Xp11.23.
Variant type: single nucleotide variant.
Coding change: c.1190G>A on transcript NM_014009.4 (MANE Select); coding-DNA position 1190, G replaced by A.
Protein change: p.Arg397Gln; replaces arginine 397 with glutamine.
Molecular consequence: missense variant.
Genome position (GRCh38, 1-based): chrX:49,251,440, C>T on the plus strand (G>A on the coding strand, the complement: FOXP3 is on the minus strand). VCF-style: chrX-49251440-C-T. GRCh37 (hg19) VCF-style: chrX-49107901-C-T.
Other names: p.Arg397Gln; c.1085G>A, p.Arg362Gln (NM_001114377.2); short protein forms R397Q, R362Q.
Identifiers: ClinVar variation 379222 (VCV000379222.54), dbSNP rs1057520529, ClinGen allele CA16608510.